The following is an entry in ClinVar:

NM_014874.4(MFN2):c.159C>T (p.Ser53=)

Gene: MFN2 (mitofusin 2; plus strand). Cytogenetic location: 1p36.22.
Variant type: single nucleotide variant.
Coding change: c.159C>T on transcript NM_014874.4 (MANE Select); coding-DNA position 159, C replaced by T.
Protein change: p.Ser53=; no amino-acid change (serine 53 retained).
Molecular consequence: synonymous variant.
Genome position (GRCh38, 1-based): chr1:11,989,327, C>T. VCF-style: chr1-11989327-C-T. GRCh37 (hg19) VCF-style: chr1-12049384-C-T.
Other names: p.S53S:AGC>AGT; p.Ser53=; c.159C>T, p.Ser53= (NM_001127660.2).
Identifiers: ClinVar variation 214639 (VCV000214639.32), dbSNP rs61733200, ClinGen allele CA322783.

ClinVar aggregate classification (germline): Benign/Likely benign. Review status: criteria provided, multiple submitters, no conflicts (2 of 4 stars). 10 submissions from 9 submitters: Benign (7); Likely benign (3). Last evaluated 2026-02-01.

Conditions:
Charcot-Marie-Tooth disease. Also called: Charcot-Marie-Tooth Neuropathy; Charcot-Marie-Tooth Hereditary Neuropathy. Identifiers: Orphanet 166, MedGen C0007959, MONDO:0015626.
Hereditary motor and sensory neuropathy with optic atrophy. Also called: PERIPHERAL NEUROPATHY AND OPTIC ATROPHY; CHARCOT-MARIE-TOOTH DISEASE, TYPE 6. Identifiers: Orphanet 90120, MedGen C0393807, MONDO:0019551.
Charcot-Marie-Tooth disease type 2. Also called: Charcot-Marie-Tooth type 2. Identifiers: Orphanet 64746, MedGen C0270914, MONDO:0018993.

Allele frequency attached by ClinVar (database versions not stated): ExAC 0.00761; 1000 Genomes Project 30x 0.03107; gnomAD 0.02240; TOPMed 0.02519; ESP Exome Variant Server 0.02814; 1000 Genomes Project 0.02935.
gnomAD v4.1: 6,994 of 1,613,936 alleles (0.43%); highest among the groups gnomAD compares: African/African-American, 8.2%; 248 homozygotes.

Submissions (10):

Labcorp Genetics (formerly Invitae), Labcorp
Classification: Benign for Charcot-Marie-Tooth disease type 2. Last evaluated: 2026-02-01. Review status: criteria provided, single submitter. Criteria: Invitae Variant Classification Sherloc (09022015). Collection method: clinical testing. Allele origin: germline.

Athena Diagnostics
Classification: Benign. Last evaluated: 2025-08-06. Review status: criteria provided, single submitter. Criteria: Athena Diagnostics Criteria. Collection method: clinical testing. Allele origin: unknown.
Comment: The frequency of this variant in the general population is higher than would generally be expected for pathogenic variants in this gene. Computational tools yielded predictions that this variant is unlikely to have an effect on normal RNA splicing. This nucleotide position exhibits low evolutionary conservation.

ARUP Laboratories, Molecular Genetics and Genomics, ARUP Laboratories
Classification: Benign. Last evaluated: 2025-05-22. Review status: criteria provided, single submitter. Criteria: ARUP Molecular Germline Variant Investigation Process 2024. Collection method: clinical testing. Allele origin: germline.

Illumina Laboratory Services, Illumina
Classification: Likely benign for Neuropathy, hereditary motor and sensory, type 6A. Last evaluated: 2017-04-27. Review status: criteria provided, single submitter. Criteria: ICSL Variant Classification Criteria 13 December 2019. Collection method: clinical testing. Allele origin: germline.
Comment: This variant was observed as part of a predisposition screen in an ostensibly healthy population. A literature search was performed for the gene, cDNA change, and amino acid change (where applicable). No publications were found based on this search. Allele frequency data from public databases allowed determination this variant is unlikely to cause disease. Therefore, this variant is classified as likely benign.

Illumina Laboratory Services, Illumina
Classification: Likely benign for Charcot-Marie-Tooth disease, type 2. Last evaluated: 2017-04-27. Review status: criteria provided, single submitter. Criteria: ICSL Variant Classification Criteria 13 December 2019. Collection method: clinical testing. Allele origin: germline.
Comment: the same text as in the submission from Illumina Laboratory Services, Illumina above.

Mayo Clinic Laboratories, Mayo Clinic
Classification: Benign. Last evaluated: 2016-07-01. Review status: criteria provided, single submitter. Criteria: ACMG Guidelines, 2015. Collection method: clinical testing. Allele origin: germline. Observed: 20 variant alleles.

GeneDx
Classification: Benign. Last evaluated: 2014-08-12. Review status: criteria provided, single submitter. Criteria: GeneDx Variant Classification (06012015). Collection method: clinical testing. Allele origin: germline. Affected: yes.
Comment: This variant is considered likely benign or benign based on one or more of the following criteria: it is a conservative change, it occurs at a poorly conserved position in the protein, it is predicted to be benign by multiple in silico algorithms, and/or has population frequency not consistent with disease.

Breakthrough Genomics
Classification: Likely benign. Review status: criteria provided, single submitter. Criteria: ACMG Guidelines, 2015. Collection method: not provided. Allele origin: germline. Inheritance: Autosomal recessive inheritance. Affected: yes.

Molecular Genetics Laboratory, London Health Sciences Centre
Classification: Benign for Charcot-Marie-Tooth disease. Review status: criteria provided, single submitter. Criteria: ACMG Guidelines, 2015. Collection method: clinical testing. Allele origin: germline. Affected: yes.

PreventionGenetics, part of Exact Sciences
Classification: Benign. Review status: criteria provided, single submitter. Criteria: ACMG Guidelines, 2015. Collection method: clinical testing. Allele origin: germline.